The following is an entry in ClinVar:

NM_018127.7(ELAC2):c.19C>G (p.Leu7Val)

Gene: ELAC2 (elaC ribonuclease Z 2; minus strand). Cytogenetic location: 17p12.
Variant type: single nucleotide variant.
Coding change: c.19C>G on transcript NM_018127.7 (MANE Select); coding-DNA position 19, C replaced by G.
Protein change: p.Leu7Val; replaces leucine 7 with valine.
Molecular consequence: missense variant.
Genome position (GRCh38, 1-based): chr17:13,017,929, G>C on the plus strand (C>G on the coding strand, the complement: ELAC2 is on the minus strand). VCF-style: chr17-13017929-G-C. GRCh37 (hg19) VCF-style: chr17-12921246-G-C.
Other names: c.19C>G, p.Leu7Val (NM_001165962.2, NM_173717.2); c.19C>G (NM_018127.6); short protein forms L7V.
Identifiers: ClinVar variation 1369319 (VCV001369319.5), dbSNP rs1003043105, ClinGen allele CA398219480.

ClinVar aggregate classification (germline): Uncertain significance. Review status: criteria provided, multiple submitters, no conflicts (2 of 4 stars). 2 submissions from 2 submitters: Uncertain significance (2). Last evaluated 2024-02-27.

Conditions:
Inborn genetic diseases. Identifiers: MedGen C0950123, MeSH D030342.
Combined oxidative phosphorylation defect type 17. Also called: Combined oxidative phosphorylation deficiency 17. Identifiers: Orphanet 369913, MedGen C3809526, MONDO:0014190, OMIM 615440.

Allele frequency attached by ClinVar (database versions not stated): gnomAD 0.00001; TOPMed 0.00001; gnomAD exomes 0.00002.
gnomAD v4.1: 14 of 1,538,726 alleles (0.00091%); highest among the groups gnomAD compares: South Asian, 0.012%; no homozygotes.

Submissions (2):

Ambry Genetics
Classification: Uncertain significance for Inborn genetic diseases. Last evaluated: 2024-02-27. Review status: criteria provided, single submitter. Criteria: Ambry Variant Classification Scheme 2023. Collection method: clinical testing. Allele origin: germline.

Labcorp Genetics (formerly Invitae), Labcorp
Classification: Uncertain significance for Combined oxidative phosphorylation defect type 17. Last evaluated: 2022-07-22. Review status: criteria provided, single submitter. Criteria: Invitae Variant Classification Sherloc (09022015). Collection method: clinical testing. Allele origin: germline.
Comment: In summary, the available evidence is currently insufficient to determine the role of this variant in disease. Therefore, it has been classified as a Variant of Uncertain Significance. Algorithms developed to predict the effect of missense changes on protein structure and function output the following: SIFT: "Tolerated"; PolyPhen-2: "Benign"; Align-GVGD: "Class C0". The valine amino acid residue is found in multiple mammalian species, which suggests that this missense change does not adversely affect protein function. ClinVar contains an entry for this variant (Variation ID: 1369319). This sequence change replaces leucine, which is neutral and non-polar, with valine, which is neutral and non-polar, at codon 7 of the ELAC2 protein (p.Leu7Val). This variant is present in population databases (no rsID available, gnomAD 0.008%). This variant has not been reported in the literature in individuals affected with ELAC2-related conditions.